The following is an entry in ClinVar:

ClinVar aggregate classification (germline): Uncertain significance (1 of 4 stars; one submission).

Submission:

Women's Health and Genetics/Laboratory Corporation of America, LabCorp
Classification: Uncertain significance. Last evaluated: 2025-11-14. Review status: criteria provided, single submitter. Criteria: LabCorp Variant Classification Summary - May 2015. Collection method: clinical testing. Allele origin: germline.
Comment: Variant summary: RAG2 c.218G>C (p.Arg73Pro) results in a non-conservative amino acid change in the encoded protein sequence. Algorithms developed to predict the effect of missense changes on protein structure and function all suggest that this variant is likely to be disruptive. The variant was absent in 251412 control chromosomes. To our knowledge, no occurrence of c.218G>C in individuals affected with RAG2-related conditions and no experimental evidence demonstrating its impact on protein function have been reported. Different variants affecting the same codon has been classified as likely pathogenic/pathogenic (p.Arg73Cys, p.Arg73Gly), supporting the critical relevance of codon 73 to RAG2 protein function. No submitters have cited clinical-significance assessments for this variant to ClinVar. Based on the evidence outlined above, the variant was classified as VUS-possibly pathogenic.

NM_000536.4(RAG2):c.218G>C (p.Arg73Pro)

Gene: RAG2 (recombination activating 2; minus strand). Cytogenetic location: 11p12.
Variant type: single nucleotide variant.
Coding change: c.218G>C on transcript NM_000536.4 (MANE Select); coding-DNA position 218, G replaced by C.
Protein change: p.Arg73Pro; replaces arginine 73 with proline.
Molecular consequence: missense variant.
Genome position (GRCh38, 1-based): chr11:36,593,951, C>G on the plus strand (G>C on the coding strand, the complement: RAG2 is on the minus strand). VCF-style: chr11-36593951-C-G. GRCh37 (hg19) VCF-style: chr11-36615501-C-G.
Other names: c.218G>C, p.Arg73Pro (NM_001243785.2, NM_001243786.2); short protein forms R73P.
Identifiers: ClinVar variation 4536696 (VCV004536696.1).